The following is an entry in ClinVar:

ClinVar aggregate classification (germline): Conflicting classifications of pathogenicity. Review status: criteria provided, conflicting classifications (1 of 4 stars). 2 submissions from 2 submitters: Uncertain significance (1); Likely benign (1). Last evaluated 2025-08-14.

Submissions (2):

Ambry Genetics
Classification: Uncertain significance. Last evaluated: 2025-08-14. Review status: criteria provided, single submitter. Criteria: Ambry Variant Classification Scheme 2023. Collection method: clinical testing. Allele origin: germline.

CeGaT Center for Human Genetics Tuebingen
Classification: Likely benign. Last evaluated: 2024-09-01. Review status: criteria provided, single submitter. Criteria: CeGaT Center For Human Genetics Tuebingen Variant Classification Criteria Version 2. Collection method: clinical testing. Allele origin: germline. Affected: yes. Observed: 1 variant allele.
Comment: AHNAK2: BP4

NM_138420.4(AHNAK2):c.8473G>A (p.Val2825Met)

Gene: AHNAK2 (AHNAK nucleoprotein 2; minus strand). Cytogenetic location: 14q32.33.
Variant type: single nucleotide variant.
Coding change: c.8473G>A on transcript NM_138420.4 (MANE Select); coding-DNA position 8473, G replaced by A.
Protein change: p.Val2825Met; replaces valine 2825 with methionine.
Molecular consequence: missense variant.
Genome position (GRCh38, 1-based): chr14:104,946,978, C>T on the plus strand (G>A on the coding strand, the complement: AHNAK2 is on the minus strand). VCF-style: chr14-104946978-C-T. GRCh37 (hg19) VCF-style: chr14-105413315-C-T.
Other names: c.8173G>A, p.Val2725Met (NM_001350929.2); c.8473G>A (NM_138420.2); short protein forms V2725M, V2825M.
Identifiers: ClinVar variation 3390349 (VCV003390349.15).
Genomic context (GRCh38, chr14:104,946,978, plus strand): 5'-CTTCCACCTTCAGCTCAGACACATCCACCGAGGCCTCGATGGACTTGCCTGGGGCCGACA[C>T]CCCGAATGACGGCATCTTGAACTTGGGCATTTTGAACTTGCTGTCTTTGGCTGTCATGCC-3'
Protein context (NP_612429.2, residues 2815-2835): MPKFKMPSFG[Val2825Met]SAPGKSIEAS